The following is an entry in ClinVar:

NM_001099271.2(POC5):c.1139C>T (p.Ser380Phe)

Gene: POC5 (POC5 centriolar protein; minus strand). Cytogenetic location: 5q13.3.
Variant type: single nucleotide variant.
Coding change: c.1139C>T on transcript NM_001099271.2 (MANE Select); coding-DNA position 1139, C replaced by T.
Protein change: p.Ser380Phe; replaces serine 380 with phenylalanine.
Molecular consequence: missense variant.
Genome position (GRCh38, 1-based): chr5:75,685,475, G>A on the plus strand (C>T on the coding strand, the complement: POC5 is on the minus strand). VCF-style: chr5-75685475-G-A. GRCh37 (hg19) VCF-style: chr5-74981300-G-A.
Other names: c.1139C>T (NM_001099271.1); c.1064C>T, p.Ser355Phe (NM_152408.3); short protein forms S355F, S380F.
Identifiers: ClinVar variation 2419524 (VCV002419524.7), dbSNP rs141696191, ClinGen allele CA3310384.

ClinVar aggregate classification (germline): Conflicting classifications of pathogenicity. Review status: criteria provided, conflicting classifications (1 of 4 stars). 2 submissions from 2 submitters: Uncertain significance (1); Likely benign (1). Last evaluated 2024-11-18.

Allele frequency attached by ClinVar (database versions not stated): gnomAD 0.00001; TOPMed 0.00005; ExAC 0.00010.
gnomAD v4.1: 23 of 1,609,612 alleles (0.0014%); highest among the groups gnomAD compares: East Asian, 0.051%; 1 homozygote.

Submissions (2):

Labcorp Genetics (formerly Invitae), Labcorp
Classification: Uncertain significance. Last evaluated: 2024-11-18. Review status: criteria provided, single submitter. Criteria: Invitae Variant Classification Sherloc (09022015). Collection method: clinical testing. Allele origin: germline.
Comment: This sequence change replaces serine, which is neutral and polar, with phenylalanine, which is neutral and non-polar, at codon 380 of the POC5 protein (p.Ser380Phe). This variant is present in population databases (rs141696191, gnomAD 0.1%), and has an allele count higher than expected for a pathogenic variant. This variant has not been reported in the literature in individuals affected with POC5-related conditions. ClinVar contains an entry for this variant (Variation ID: 2419524). An algorithm developed to predict the effect of missense changes on protein structure and function outputs the following: PolyPhen-2: "Benign". The phenylalanine amino acid residue is found in multiple mammalian species, which suggests that this missense change does not adversely affect protein function. In summary, the available evidence is currently insufficient to determine the role of this variant in disease. Therefore, it has been classified as a Variant of Uncertain Significance.

Ambry Genetics
Classification: Likely benign. Last evaluated: 2024-11-15. Review status: criteria provided, single submitter. Criteria: Ambry Variant Classification Scheme 2023. Collection method: clinical testing. Allele origin: germline.